The following is an entry in ClinVar:

NM_000193.4(SHH):c.1219G>A (p.Gly407Arg)

Gene: SHH (sonic hedgehog signaling molecule; minus strand). Cytogenetic location: 7q36.3.
Variant type: single nucleotide variant.
Coding change: c.1219G>A on transcript NM_000193.4 (MANE Select); coding-DNA position 1219, G replaced by A.
Protein change: p.Gly407Arg; replaces glycine 407 with arginine.
Molecular consequence: missense variant. On other transcripts: intron variant (1).
Genome position (GRCh38, 1-based): chr7:155,803,070, C>T on the plus strand (G>A on the coding strand, the complement: SHH is on the minus strand). VCF-style: chr7-155803070-C-T. GRCh37 (hg19) VCF-style: chr7-155595764-C-T.
Other names: c.302-2825G>A (NM_001310462.2); short protein forms G407R.
Identifiers: ClinVar variation 2503325 (VCV002503325.1), dbSNP rs1369784245, ClinGen allele CA370144557.

ClinVar aggregate classification (germline): Uncertain significance (1 of 4 stars; one submission).

Allele frequency attached by ClinVar (database versions not stated): gnomAD exomes below 0.00001; TOPMed below 0.00001.
gnomAD v4.1: 1 of 1,379,950 alleles (0.000072%); highest among the groups gnomAD compares: Non-Finnish European, 0.000094%; no homozygotes.

Submission:

GeneDx
Classification: Uncertain significance. Last evaluated: 2022-11-23. Review status: criteria provided, single submitter. Criteria: GeneDx Variant Classification Process June 2021. Collection method: clinical testing. Allele origin: germline. Affected: yes.
Comment: Not observed at significant frequency in large population cohorts (gnomAD); In silico analysis supports that this missense variant does not alter protein structure/function; Has not been previously published as pathogenic or benign to our knowledge